The following is an entry in ClinVar:

ClinVar aggregate classification (germline): Likely benign (1 of 4 stars; one submission).

Allele frequency attached by ClinVar (database versions not stated): 1000 Genomes Project 0.00026; ESP Exome Variant Server 0.00047; gnomAD 0.00033; ExAC 0.00046; TOPMed 0.00059; gnomAD exomes 0.00040; 1000 Genomes Project 30x 0.00042.
gnomAD v4.1: 498 of 1,210,259 alleles (0.041%); highest among the groups gnomAD compares: Middle Eastern, 0.78%; 4 homozygotes.

Submission:

CeGaT Center for Human Genetics Tuebingen
Classification: Likely benign. Last evaluated: 2023-03-01. Review status: criteria provided, single submitter. Criteria: CeGaT Center For Human Genetics Tuebingen Variant Classification Criteria Version 2. Collection method: clinical testing. Allele origin: germline. Affected: yes. Observed: 3 variant alleles.
Comment: ERCC6L: BP4, BP7, BS2; PIN4: BS2

NM_017669.4(ERCC6L):c.3408C>T (p.Gly1136=)

Genes: ERCC6L (ERCC excision repair 6 like DNA helicase; minus strand), PIN4 (peptidylprolyl cis/trans isomerase, NIMA-interacting 4; plus strand). Cytogenetic location: Xq13.1.
Variant type: single nucleotide variant.
Coding change: c.3408C>T on transcript NM_017669.4 (MANE Select); coding-DNA position 3408, C replaced by T.
Protein change: p.Gly1136=; no amino-acid change (glycine 1136 retained).
Molecular consequence: synonymous variant. On other transcripts: intron variant (1).
Genome position (GRCh38, 1-based): chrX:72,205,359, G>A on the plus strand (C>T on the coding strand, the complement: ERCC6L is on the minus strand). VCF-style: chrX-72205359-G-A. GRCh37 (hg19) VCF-style: chrX-71425209-G-A.
Other names: c.3039C>T, p.Gly1013= (NM_001009954.3); c.312+8455G>A (NM_001170747.1).
Identifiers: ClinVar variation 2660907 (VCV002660907.22), dbSNP rs148656966, ClinGen allele CA10449474.